The following is an entry in ClinVar:

NM_006514.4(SCN10A):c.795_807delinsCTTCAA (p.Gln266fs)

Gene: SCN10A (sodium voltage-gated channel alpha subunit 10; minus strand). Cytogenetic location: 3p22.2.
Variant type: Indel.
Coding change: c.795_807delinsCTTCAA on transcript NM_006514.4 (MANE Select); coding-DNA positions 795 to 807, GCAACTCTTCAAG replaced by CTTCAA.
Protein change: p.Gln266fs; shifts the reading frame from glutamine 266.
Molecular consequence: frameshift variant.
Genome position (GRCh38, 1-based): chr3:38,761,268-38,761,280, CTTGAAGAGTTGC replaced by TTGAAG on the plus strand (GCAACTCTTCAAG replaced by CTTCAA on the coding strand, the reverse complement: SCN10A is on the minus strand). VCF-style: chr3-38761268-CTTGAAGAGTTGC-TTGAAG. GRCh37 (hg19) VCF-style: chr3-38802759-CTTGAAGAGTTGC-TTGAAG.
Other names: c.795_807delinsCTTCAA, p.Gln266fs (NM_001293306.2, NM_001293307.2); short protein forms Q266fs.
Identifiers: ClinVar variation 1761359 (VCV001761359.3), dbSNP rs2470808291, ClinGen allele CA2580069839.
Genomic context (GRCh38, chr3:38,761,268, plus strand): 5'-GTAGTTGGTTGTCTCATTGACAGCCATGTCATTCTTGACACATTTATTTTTGAGGTTGCC[CTTGAAGAGTTGC>TTGAAG]AGCCCCACCAAGGCAAAAACACTTAGGCAGAAGATGGTGAGGATGGTCACATCAGCCAGT-3'

ClinVar aggregate classification (germline): Uncertain significance. Review status: criteria provided, multiple submitters, no conflicts (2 of 4 stars). 2 submissions from 2 submitters: Uncertain significance (2). Last evaluated 2020-11-28.

Conditions:
Cardiovascular phenotype. Identifiers: MedGen CN230736.
Brugada syndrome. Also called: Sudden unexpected nocturnal death syndrome; Sudden unexplained nocturnal death syndrome; Sudden Unexplained Death Syndrome; Sudden Unexplained Nocturnal Death Syndrome (SUNDS). Identifiers: Orphanet 130, MedGen C1142166, MONDO:0015263.

Submissions (2):

Labcorp Genetics (formerly Invitae), Labcorp
Classification: Uncertain significance for Brugada syndrome. Last evaluated: 2020-11-28. Review status: criteria provided, single submitter. Criteria: Invitae Variant Classification Sherloc (09022015). Collection method: clinical testing. Allele origin: germline.
Comment: In summary, the available evidence is currently insufficient to determine the role of this variant in disease. Therefore, it has been classified as a Variant of Uncertain Significance. This variant has not been reported in the literature in individuals with SCN10A-related conditions. The frequency data for this variant in the population databases is considered unreliable, as metrics indicate poor data quality at this position in the ExAC database. This sequence change creates a premature translational stop signal (p.Gln266Phefs*32) in the SCN10A gene. It is expected to result in an absent or disrupted protein product. However, the current clinical and genetic evidence is not sufficient to establish whether loss-of-function variants in SCN10A cause disease.

Ambry Genetics
Classification: Uncertain significance for Cardiovascular phenotype. Last evaluated: 2020-01-31. Review status: criteria provided, single submitter. Criteria: Ambry Variant Classification Scheme 2023. Collection method: clinical testing. Allele origin: germline.
Comment: The c.795_807del13insCTTCAA variant, located in coding exon 6 of the SCN10A gene, results from the deletion of 13 nucleotides and insertion of 6 nucleotides causing a translational frameshift with a predicted alternate stop codon (p.Q266Ffs*32). This alteration is expected to result in loss of function by premature protein truncation or nonsense-mediated mRNA decay. However, loss of function of SCN10A has not been clearly established as a mechanism of disease. Since supporting evidence is limited at this time, the clinical significance of this alteration remains unclear.